The following is an entry in ClinVar:

NM_000090.4(COL3A1):c.2834G>A (p.Gly945Asp)

Gene: COL3A1 (collagen type III alpha 1 chain; plus strand). Cytogenetic location: 2q32.2.
Variant type: single nucleotide variant.
Coding change: c.2834G>A on transcript NM_000090.4 (MANE Select); coding-DNA position 2834, G replaced by A.
Protein change: p.Gly945Asp; replaces glycine 945 with aspartic acid.
Molecular consequence: missense variant.
Genome position (GRCh38, 1-based): chr2:189,004,267, G>A. VCF-style: chr2-189004267-G-A. GRCh37 (hg19) VCF-style: chr2-189868993-G-A.
Other names: short protein forms G945D.
Identifiers: ClinVar variation 4757844 (VCV004757844.1).

ClinVar aggregate classification (germline): Likely pathogenic (1 of 4 stars; one submission).

Conditions:
Familial thoracic aortic aneurysm and aortic dissection (TAAD). Also called: Thoracic aortic aneurysms and dissections. Identifiers: Orphanet 91387, MedGen C4707243, MONDO:0019625.

Submission:

Color Diagnostics, LLC DBA Color Health
Classification: Likely pathogenic for Familial thoracic aortic aneurysm and aortic dissection. Last evaluated: 2025-09-03. Review status: criteria provided, single submitter. Criteria: ACMG Guidelines, 2015. Collection method: clinical testing. Allele origin: germline.
Comment: This missense variant replaces glycine with aspartic acid at codon 945 of the COL3A1 protein. This variant changes one of the conserved glycine residues within the Gly-Xaa-Yaa repeat motifs of the triple helical domain of the COL3A1 protein. Conserved glycine residues within the Gly-Xaa-Yaa repeats are required for the structural stability of fibrillar collagens (PMID: 7695699, 8218237, 19344236), and missense variants occurring at these glycine residues have been associated with disease (PMID: 24922459, 25758994). Computational prediction suggests that this variant may have deleterious impact on protein structure and function. This variant has been reported in individuals affected with vascular Ehlers-Danlos syndrome (PMID: 36977837, 37655064). This variant has not been identified in the general population by the Genome Aggregation Database (gnomAD). Based on the available evidence, this variant is classified as Likely Pathogenic.

Literature cited by the submitters: PubMed 7695699; PubMed 8218237; PubMed 19344236; PubMed 24922459; PubMed 25758994; PubMed 36977837; PubMed 37655064.